The following is an entry in ClinVar:

ClinVar aggregate classification (germline): Uncertain significance. Review status: criteria provided, multiple submitters, no conflicts (2 of 4 stars). 2 submissions from 2 submitters: Uncertain significance (2). Last evaluated 2025-08-01.

Conditions:
Hereditary cancer-predisposing syndrome. Also called: Neoplastic Syndromes, Hereditary; Tumor predisposition; Hereditary neoplastic syndrome; Hereditary Cancer Syndrome. Identifiers: Orphanet 140162, MedGen C0027672, MeSH D009386, MONDO:0015356.
Fanconi anemia (FA). Also called: Fanconi's anemia. Identifiers: Orphanet 84, MedGen C0015625, MeSH D005199, MONDO:0019391.

Submissions (2):

Labcorp Genetics (formerly Invitae), Labcorp
Classification: Uncertain significance for Fanconi anemia. Last evaluated: 2025-08-01. Review status: criteria provided, single submitter. Criteria: Invitae Variant Classification Sherloc (09022015). Collection method: clinical testing. Allele origin: germline.
Comment: This sequence change replaces cysteine, which is neutral and slightly polar, with phenylalanine, which is neutral and non-polar, at codon 93 of the FANCC protein (p.Cys93Phe). This variant is not present in population databases (gnomAD no frequency). This variant has not been reported in the literature in individuals affected with FANCC-related conditions. ClinVar contains an entry for this variant (Variation ID: 3230378). Invitae Evidence Modeling of protein sequence and biophysical properties (such as structural, functional, and spatial information, amino acid conservation, physicochemical variation, residue mobility, and thermodynamic stability) indicates that this missense variant is expected to disrupt FANCC protein function with a positive predictive value of 80%. In summary, the available evidence is currently insufficient to determine the role of this variant in disease. Therefore, it has been classified as a Variant of Uncertain Significance.

Ambry Genetics
Classification: Uncertain significance for Hereditary cancer-predisposing syndrome. Last evaluated: 2024-01-01. Review status: criteria provided, single submitter. Criteria: Ambry Variant Classification Scheme 2023. Collection method: clinical testing. Allele origin: germline.
Comment: The p.C93F variant (also known as c.278G>T), located in coding exon 3 of the FANCC gene, results from a G to T substitution at nucleotide position 278. The cysteine at codon 93 is replaced by phenylalanine, an amino acid with highly dissimilar properties. This amino acid position is conserved. In addition, this alteration is predicted to be deleterious by in silico analysis. Since supporting evidence is limited at this time, the clinical significance of this alteration remains unclear.

NM_000136.3(FANCC):c.278G>T (p.Cys93Phe)

Gene: FANCC (FA complementation group C; minus strand). Cytogenetic location: 9q22.32.
Variant type: single nucleotide variant.
Coding change: c.278G>T on transcript NM_000136.3 (MANE Select); coding-DNA position 278, G replaced by T.
Protein change: p.Cys93Phe; replaces cysteine 93 with phenylalanine.
Molecular consequence: missense variant.
Genome position (GRCh38, 1-based): chr9:95,240,716, C>A on the plus strand (G>T on the coding strand, the complement: FANCC is on the minus strand). VCF-style: chr9-95240716-C-A. GRCh37 (hg19) VCF-style: chr9-98002998-C-A.
Other names: c.278G>T, p.Cys93Phe (NM_001243743.2, NM_001243744.2); short protein forms C93F.
Identifiers: ClinVar variation 3230378 (VCV003230378.2), dbSNP rs774029807, ClinGen allele CA374339421.